The following is an entry in ClinVar:

ClinVar aggregate classification (germline): Conflicting classifications of pathogenicity. Review status: criteria provided, conflicting classifications (1 of 4 stars). 2 submissions from 2 submitters: Likely pathogenic (1); Uncertain significance (1). Last evaluated 2025-03-31.

Conditions:
Ataxia - intellectual disability - oculomotor apraxia - cerebellar cysts syndrome. Also called: Poretti-Boltshauser syndrome. Identifiers: Orphanet 370022, MedGen C4014821, MONDO:0014419, OMIM 615960.

Allele frequency attached by ClinVar (database versions not stated): TOPMed below 0.00001; ExAC 0.00001; gnomAD 0.00001; gnomAD exomes 0.00001.
gnomAD v4.1: 9 of 1,613,364 alleles (0.00056%); highest among the groups gnomAD compares: South Asian, 0.0066%; no homozygotes.

Submissions (2):

Labcorp Genetics (formerly Invitae), Labcorp
Classification: Uncertain significance. Last evaluated: 2025-03-31. Review status: criteria provided, single submitter. Criteria: Invitae Variant Classification Sherloc (09022015). Collection method: clinical testing. Allele origin: germline.
Comment: This sequence change replaces arginine, which is basic and polar, with histidine, which is basic and polar, at codon 256 of the LAMA1 protein (p.Arg256His). This variant is present in population databases (rs748576952, gnomAD 0.003%). This missense change has been observed in individual(s) with clinical features of Poretti-Boltshauser syndrome (PMID: 36592689). ClinVar contains an entry for this variant (Variation ID: 1698392). An algorithm developed to predict the effect of missense changes on protein structure and function (PolyPhen-2) suggests that this variant is likely to be disruptive. In summary, the available evidence is currently insufficient to determine the role of this variant in disease. Therefore, it has been classified as a Variant of Uncertain Significance.

Center for Medical Genetics Ghent, University of Ghent
Classification: Likely pathogenic for Ataxia - intellectual disability - oculomotor apraxia - cerebellar cysts syndrome. Last evaluated: 2022-07-25. Review status: criteria provided, single submitter. Criteria: ACMG Guidelines, 2015. Collection method: clinical testing. Allele origin: germline. Inheritance: Autosomal recessive inheritance. Affected: yes. Observed: 1 homozygote.
Comment: PM2, PP4_PM, PP3, PM3_PP

Literature cited by the submitters: PubMed 36592689 (cited by Labcorp Genetics (formerly Invitae), Labcorp).

NM_005559.4(LAMA1):c.767G>A (p.Arg256His)

Gene: LAMA1 (laminin subunit alpha 1; minus strand). Cytogenetic location: 18p11.31.
Variant type: single nucleotide variant.
Coding change: c.767G>A on transcript NM_005559.4 (MANE Select); coding-DNA position 767, G replaced by A.
Protein change: p.Arg256His; replaces arginine 256 with histidine.
Molecular consequence: missense variant.
Genome position (GRCh38, 1-based): chr18:7,049,079, C>T on the plus strand (G>A on the coding strand, the complement: LAMA1 is on the minus strand). VCF-style: chr18-7049079-C-T. GRCh37 (hg19) VCF-style: chr18-7049078-C-T.
Other names: short protein forms R256H.
Identifiers: ClinVar variation 1698392 (VCV001698392.4), dbSNP rs748576952, ClinGen allele CA8883204.